The following is an entry in ClinVar:

NM_014269.4(ADAM29):c.2241T>C (p.Pro747=)

Gene: ADAM29 (ADAM metallopeptidase domain 29; plus strand). Cytogenetic location: 4q34.1.
Variant type: single nucleotide variant.
Coding change: c.2241T>C on transcript NM_014269.4 (MANE Select); coding-DNA position 2241, T replaced by C.
Protein change: p.Pro747=; no amino-acid change (proline 747 retained).
Molecular consequence: synonymous variant.
Genome position (GRCh38, 1-based): chr4:174,977,766, T>C. VCF-style: chr4-174977766-T-C. GRCh37 (hg19) VCF-style: chr4-175898917-T-C.
Other names: c.2241T>C, p.Pro747= (NM_001130703.1, NM_001130704.1, NM_001130705.1 and 4 more transcripts).
Identifiers: ClinVar variation 3024884 (VCV003024884.22), dbSNP rs567510126, ClinGen allele CA3143290.

ClinVar aggregate classification (germline): Likely benign (1 of 4 stars; one submission).

Allele frequency attached by ClinVar (database versions not stated): gnomAD exomes 0.00001; ExAC 0.00015; 1000 Genomes Project 0.00319.

Submission:

CeGaT Center for Human Genetics Tuebingen
Classification: Likely benign. Last evaluated: 2025-07-01. Review status: criteria provided, single submitter. Criteria: CeGaT Center For Human Genetics Tuebingen Variant Classification Criteria Version 2. Collection method: clinical testing. Allele origin: germline. Affected: yes. Observed: 3 variant alleles.
Comment: ADAM29: BP4, BP7